The following is an entry in ClinVar:

ClinVar aggregate classification (germline): Uncertain significance (1 of 4 stars; one submission).

gnomAD v4.1: 2 of 1,331,408 alleles (0.00015%); highest among the groups gnomAD compares: South Asian, 0.0012%; no homozygotes.

Submission:

Ambry Genetics
Classification: Uncertain significance. Last evaluated: 2025-02-06. Review status: criteria provided, single submitter. Criteria: Ambry Variant Classification Scheme 2023. Collection method: clinical testing. Allele origin: germline.
Comment: The p.P957S variant (also known as c.2869C>T), located in coding exon 11 of the WNK2 gene, results from a C to T substitution at nucleotide position 2869. The proline at codon 957 is replaced by serine, an amino acid with similar properties. This amino acid position is conserved. In addition, this alteration is predicted to be tolerated by in silico analysis. Based on the available evidence, the clinical significance of this variant remains unclear.

NM_006648.4(WNK2):c.2869C>T (p.Pro957Ser)

Gene: WNK2 (WNK lysine deficient protein kinase 2; plus strand). Cytogenetic location: 9q22.31.
Variant type: single nucleotide variant.
Coding change: c.2869C>T on transcript NM_006648.4 (MANE Select); coding-DNA position 2869, C replaced by T.
Protein change: p.Pro957Ser; replaces proline 957 with serine.
Molecular consequence: missense variant.
Genome position (GRCh38, 1-based): chr9:93,259,417, C>T. VCF-style: chr9-93259417-C-T. GRCh37 (hg19) VCF-style: chr9-96021699-C-T.
Other names: c.2869C>T, p.Pro957Ser (NM_001282394.3); short protein forms P957S.
Identifiers: ClinVar variation 3817015 (VCV003817015.1).